The following is an entry in ClinVar:

NM_006017.3(PROM1):c.908A>G (p.Asn303Ser)

Gene: PROM1 (prominin 1; minus strand). Cytogenetic location: 4p15.32.
Variant type: single nucleotide variant.
Coding change: c.908A>G on transcript NM_006017.3 (MANE Select); coding-DNA position 908, A replaced by G.
Protein change: p.Asn303Ser; replaces asparagine 303 with serine.
Molecular consequence: missense variant.
Genome position (GRCh38, 1-based): chr4:16,018,417, T>C on the plus strand (A>G on the coding strand, the complement: PROM1 is on the minus strand). VCF-style: chr4-16018417-T-C. GRCh37 (hg19) VCF-style: chr4-16020040-T-C.
Other names: c.881A>G, p.Asn294Ser (NM_001145847.2, NM_001145848.2, NM_001145851.2 and 4 more transcripts); c.908A>G, p.Asn303Ser (NM_001145849.2, NM_001145850.2); short protein forms N303S, N294S.
Identifiers: ClinVar variation 1402123 (VCV001402123.9), dbSNP rs1205174347, ClinGen allele CA356419773.

ClinVar aggregate classification (germline): Uncertain significance. Review status: criteria provided, multiple submitters, no conflicts (2 of 4 stars). 2 submissions from 2 submitters: Uncertain significance (2). Last evaluated 2024-04-29.

Allele frequency attached by ClinVar (database versions not stated): gnomAD exomes below 0.00001 and 0.00002; gnomAD 0.00001; TOPMed 0.00004.
gnomAD v4.1: 7 of 1,613,768 alleles (0.00043%); highest among the groups gnomAD compares: Admixed American, 0.0083%; no homozygotes.

Submissions (2):

Labcorp Genetics (formerly Invitae), Labcorp
Classification: Uncertain significance. Last evaluated: 2024-04-29. Review status: criteria provided, single submitter. Criteria: Invitae Variant Classification Sherloc (09022015). Collection method: clinical testing. Allele origin: germline.
Comment: This sequence change replaces asparagine, which is neutral and polar, with serine, which is neutral and polar, at codon 303 of the PROM1 protein (p.Asn303Ser). This variant is present in population databases (no rsID available, gnomAD 0.01%). This variant has not been reported in the literature in individuals affected with PROM1-related conditions. ClinVar contains an entry for this variant (Variation ID: 1402123). Advanced modeling of protein sequence and biophysical properties (such as structural, functional, and spatial information, amino acid conservation, physicochemical variation, residue mobility, and thermodynamic stability) performed at Invitae indicates that this missense variant is not expected to disrupt PROM1 protein function with a negative predictive value of 80%. In summary, the available evidence is currently insufficient to determine the role of this variant in disease. Therefore, it has been classified as a Variant of Uncertain Significance.

Blueprint Genetics
Classification: Uncertain significance. Last evaluated: 2022-09-02. Review status: criteria provided, single submitter. Criteria: ACMG Guidelines, 2015. Collection method: clinical testing. Allele origin: germline.